The following is an entry in ClinVar:

NR_001566.3(TERC):n.108C>G

Genes: TERC (telomerase RNA component; minus strand), LOC110806306 (telomerase RNA component (TERC) promoter; plus strand). Cytogenetic location: 3q26.2.
Variant type: single nucleotide variant.
Molecular consequence: non-coding transcript variant (on NR_001566.3).
Genome position: GRCh38 VCF-style: chr3-169764953-G-C. GRCh37 (hg19) VCF-style: chr3-169482741-G-C.
Identifiers: ClinVar variation 4856148 (VCV004856148.1).

ClinVar aggregate classification (germline): Uncertain significance (1 of 4 stars; one submission).

Conditions:
Dyskeratosis congenita, autosomal dominant 1 (DKCA1). Also called: Dyskeratosis congenita Scoggins type. Identifiers: Orphanet 1775, MedGen C4551974, MONDO:0007485, OMIM 127550. Inheritance: Variable.

Submission:

3billion
Classification: Uncertain significance for Dyskeratosis congenita, autosomal dominant 1. Last evaluated: 2026-01-07. Review status: criteria provided, single submitter. Criteria: ACMG Guidelines, 2015. Collection method: clinical testing. Allele origin: germline. Affected: yes.
Comment: The variant is not observed in the gnomAD v4.1.0 dataset. Predicted Consequence/Location: non_coding_transcript_exon_variant Therefore, this variant is classified as VUS according to the recommendation of ACMG/AMP guideline.